The following is an entry in ClinVar:

NM_005430.4(WNT1):c.703C>T (p.Arg235Trp)

Gene: WNT1 (Wnt family member 1; plus strand). Cytogenetic location: 12q13.12.
Variant type: single nucleotide variant.
Coding change: c.703C>T on transcript NM_005430.4 (MANE Select); coding-DNA position 703, C replaced by T.
Protein change: p.Arg235Trp; replaces arginine 235 with tryptophan.
Molecular consequence: missense variant.
Genome position (GRCh38, 1-based): chr12:48,981,230, C>T. VCF-style: chr12-48981230-C-T. GRCh37 (hg19) VCF-style: chr12-49375013-C-T.
Other names: short protein forms R235W.
Identifiers: ClinVar variation 50263 (VCV000050263.2), dbSNP rs387907359, ClinGen allele CA143729.

ClinVar aggregate classification (germline): Likely pathogenic. Review status: criteria provided, single submitter (1 of 4 stars). 2 submissions from 2 submitters: Likely pathogenic (1). 1 of the submissions does not count toward it. Last evaluated 2025-08-30.

Conditions:
OSTEOPOROSIS, EARLY-ONSET, SUSCEPTIBILITY TO (BMND16). Also called: Bone mineral density quantitative trait locus 16. Identifiers: Orphanet 85193, MedGen C3714945, OMIM 615221.

Submissions (2):

Labcorp Genetics (formerly Invitae), Labcorp
Classification: Likely pathogenic. Last evaluated: 2025-08-30. Review status: criteria provided, single submitter. Criteria: Invitae Variant Classification Sherloc (09022015). Collection method: clinical testing. Allele origin: germline.
Comment: This sequence change replaces arginine, which is basic and polar, with tryptophan, which is neutral and slightly polar, at codon 235 of the WNT1 protein (p.Arg235Trp). This variant is not present in population databases (gnomAD no frequency). This missense change has been observed in individual(s) with autosomal dominant osteoporosis (PMID: 23499309, 32369212). It has also been observed to segregate with disease in related individuals. ClinVar contains an entry for this variant (Variation ID: 50263). Invitae Evidence Modeling of protein sequence and biophysical properties (such as structural, functional, and spatial information, amino acid conservation, physicochemical variation, residue mobility, and thermodynamic stability) indicates that this missense variant is expected to disrupt WNT1 protein function with a positive predictive value of 80%. Experimental studies have shown that this missense change affects WNT1 function (PMID: 23499309, 32369212). In summary, the currently available evidence indicates that the variant is pathogenic, but additional data are needed to prove that conclusively. Therefore, this variant has been classified as Likely Pathogenic.

OMIM
Classification: risk factor for OSTEOPOROSIS, EARLY-ONSET, SUSCEPTIBILITY TO. Last evaluated: 2013-04-04. Review status: no assertion criteria provided. Collection method: literature only. Allele origin: germline. Not counted in ClinVar's aggregate classification.

Literature cited by the submitters: PubMed 23499309 (cited by Labcorp Genetics (formerly Invitae), Labcorp and OMIM); PubMed 32369212 (cited by Labcorp Genetics (formerly Invitae), Labcorp).